The following is an entry in ClinVar:

NM_004562.3(PRKN):c.1338C>G (p.Cys446Trp)

Gene: PRKN (parkin RBR E3 ubiquitin protein ligase; minus strand). Cytogenetic location: 6q26.
Variant type: single nucleotide variant.
Coding change: c.1338C>G on transcript NM_004562.3 (MANE Select); coding-DNA position 1338, C replaced by G.
Protein change: p.Cys446Trp; replaces cysteine 446 with tryptophan.
Molecular consequence: missense variant.
Genome position (GRCh38, 1-based): chr6:161,350,159, G>C on the plus strand (C>G on the coding strand, the complement: PRKN is on the minus strand). VCF-style: chr6-161350159-G-C. GRCh37 (hg19) VCF-style: chr6-161771191-G-C.
Other names: c.1254C>G, p.Cys418Trp (NM_013987.3); c.891C>G, p.Cys297Trp (NM_013988.3); short protein forms C446W, C297W, C418W.
Identifiers: ClinVar variation 1972679 (VCV001972679.5), dbSNP rs748617874, ClinGen allele CA366456257.

ClinVar aggregate classification (germline): Uncertain significance (1 of 4 stars; one submission).

Submission:

Labcorp Genetics (formerly Invitae), Labcorp
Classification: Uncertain significance. Last evaluated: 2022-08-02. Review status: criteria provided, single submitter. Criteria: Invitae Variant Classification Sherloc (09022015). Collection method: clinical testing. Allele origin: germline.
Comment: This variant is not present in population databases (gnomAD no frequency). This variant has not been reported in the literature in individuals affected with PRKN-related conditions. Algorithms developed to predict the effect of missense changes on protein structure and function are either unavailable or do not agree on the potential impact of this missense change (SIFT: "Deleterious"; PolyPhen-2: "Probably Damaging"; Align-GVGD: "Class C0"). In summary, the available evidence is currently insufficient to determine the role of this variant in disease. Therefore, it has been classified as a Variant of Uncertain Significance. This sequence change replaces cysteine, which is neutral and slightly polar, with tryptophan, which is neutral and slightly polar, at codon 446 of the PRKN protein (p.Cys446Trp).